The following is an entry in ClinVar:

ClinVar aggregate classification (germline): Uncertain significance (1 of 4 stars; one submission).

Submission:

Labcorp Genetics (formerly Invitae), Labcorp
Classification: Uncertain significance. Last evaluated: 2022-06-16. Review status: criteria provided, single submitter. Criteria: Invitae Variant Classification Sherloc (09022015). Collection method: clinical testing. Allele origin: germline.
Comment: This variant has not been reported in the literature in individuals affected with GTPBP3-related conditions. Algorithms developed to predict the effect of missense changes on protein structure and function are either unavailable or do not agree on the potential impact of this missense change (SIFT: "Deleterious"; PolyPhen-2: "Benign"; Align-GVGD: "Class C0"). In summary, the available evidence is currently insufficient to determine the role of this variant in disease. Therefore, it has been classified as a Variant of Uncertain Significance. This sequence change replaces tryptophan, which is neutral and slightly polar, with leucine, which is neutral and non-polar, at codon 227 of the GTPBP3 protein (p.Trp227Leu). This variant is not present in population databases (gnomAD no frequency).

NM_032620.4(GTPBP3):c.664+16G>T

Gene: GTPBP3 (GTP binding protein 3, mitochondrial; plus strand). Cytogenetic location: 19p13.11.
Variant type: single nucleotide variant.
Coding change: c.664+16G>T on transcript NM_032620.4 (MANE Select); 16 bases into the intron after coding-DNA position 664, G replaced by T.
Molecular consequence: intron variant. On other transcripts: missense variant (1).
Genome position (GRCh38, 1-based): chr19:17,339,042, G>T. VCF-style: chr19-17339042-G-T. GRCh37 (hg19) VCF-style: chr19-17449851-G-T.
Other names: c.680G>T, p.Trp227Leu (NM_133644.4); c.730+16G>T (NM_001195422.1); c.664+16G>T (NM_001128855.3); short protein forms W227L.
Identifiers: ClinVar variation 1957185 (VCV001957185.5), dbSNP rs867914093, ClinGen allele CA306062252.